The following is an entry in ClinVar:

NM_005430.4(WNT1):c.244G>C (p.Val82Leu)

Gene: WNT1 (Wnt family member 1; plus strand). Cytogenetic location: 12q13.12.
Variant type: single nucleotide variant.
Coding change: c.244G>C on transcript NM_005430.4 (MANE Select); coding-DNA position 244, G replaced by C.
Protein change: p.Val82Leu; replaces valine 82 with leucine.
Molecular consequence: missense variant.
Genome position (GRCh38, 1-based): chr12:48,979,607, G>C. VCF-style: chr12-48979607-G-C. GRCh37 (hg19) VCF-style: chr12-49373390-G-C.
Other names: short protein forms V82L.
Identifiers: ClinVar variation 2798924 (VCV002798924.3), dbSNP rs1339135542, ClinGen allele CA384627787.

ClinVar aggregate classification (germline): Uncertain significance (1 of 4 stars; one submission).

Submission:

Labcorp Genetics (formerly Invitae), Labcorp
Classification: Uncertain significance. Last evaluated: 2022-12-08. Review status: criteria provided, single submitter. Criteria: Invitae Variant Classification Sherloc (09022015). Collection method: clinical testing. Allele origin: germline.
Comment: This sequence change replaces valine, which is neutral and non-polar, with leucine, which is neutral and non-polar, at codon 82 of the WNT1 protein (p.Val82Leu). This variant is not present in population databases (gnomAD no frequency). This variant has not been reported in the literature in individuals affected with WNT1-related conditions. Advanced modeling of protein sequence and biophysical properties (such as structural, functional, and spatial information, amino acid conservation, physicochemical variation, residue mobility, and thermodynamic stability) performed at Invitae indicates that this missense variant is not expected to disrupt WNT1 protein function. Algorithms developed to predict the effect of sequence changes on RNA splicing suggest that this variant may disrupt the consensus splice site. In summary, the available evidence is currently insufficient to determine the role of this variant in disease. Therefore, it has been classified as a Variant of Uncertain Significance.